The following is an entry in ClinVar:

ClinVar aggregate classification (germline): Uncertain significance (1 of 4 stars; one submission).

Conditions:
SCAPER-related disorder. Also called: SCAPER-related condition.

gnomAD v4.1: 1 of 1,612,422 alleles (0.000062%); highest among the groups gnomAD compares: African/African-American, 0.0013%; no homozygotes.

Submission:

PreventionGenetics, part of Exact Sciences
Classification: Uncertain significance for SCAPER-related condition. Last evaluated: 2025-09-24. Review status: criteria provided, single submitter. Criteria: ACMG Guidelines, 2015. Collection method: clinical testing. Allele origin: germline.
Comment: The SCAPER c.1078A>G variant is predicted to result in the amino acid substitution p.Ile360Val. To our knowledge, this variant has not been reported in the literature or in a large population database (gnomAD), indicating this variant is rare. At this time, the clinical significance of this variant is uncertain due to the absence of conclusive functional and genetic evidence.

NM_020843.4(SCAPER):c.1078A>G (p.Ile360Val)

Gene: SCAPER (S-phase cyclin A associated protein in the ER; minus strand). Cytogenetic location: 15q24.3.
Variant type: single nucleotide variant.
Coding change: c.1078A>G on transcript NM_020843.4 (MANE Select); coding-DNA position 1078, A replaced by G.
Protein change: p.Ile360Val; replaces isoleucine 360 with valine.
Molecular consequence: missense variant. On other transcripts: non-coding transcript variant (1).
Genome position (GRCh38, 1-based): chr15:76,771,912, T>C on the plus strand (A>G on the coding strand, the complement: SCAPER is on the minus strand). VCF-style: chr15-76771912-T-C. GRCh37 (hg19) VCF-style: chr15-77064253-T-C.
Other names: c.340A>G, p.Ile114Val (NM_001145923.2); c.1078A>G, p.Ile360Val (NM_001353009.2); c.676A>G, p.Ile226Val (NM_001353010.2, NM_001353011.2, NM_001353012.2); short protein forms I114V, I226V, I360V.
Identifiers: ClinVar variation 4991630 (VCV004991630.1).